The following is an entry in ClinVar:

ClinVar aggregate classification (germline): Uncertain significance (1 of 4 stars; one submission).

Conditions:
Spastic paraplegia. Identifiers: MedGen C0037772, HP:0001258.

Allele frequency attached by ClinVar (database versions not stated): gnomAD 0.00001; gnomAD exomes 0.00002 and 0.00010; TOPMed 0.00002; ExAC 0.00008.
gnomAD v4.1: 32 of 1,613,976 alleles (0.002%); highest among the groups gnomAD compares: Admixed American, 0.053%; no homozygotes.

Submission:

Labcorp Genetics (formerly Invitae), Labcorp
Classification: Uncertain significance for Spastic paraplegia. Last evaluated: 2025-01-15. Review status: criteria provided, single submitter. Criteria: Invitae Variant Classification Sherloc (09022015). Collection method: clinical testing. Allele origin: germline.
Comment: This sequence change replaces aspartic acid, which is acidic and polar, with glycine, which is neutral and non-polar, at codon 255 of the ZFYVE27 protein (p.Asp255Gly). This variant is present in population databases (rs775345962, gnomAD 0.07%), and has an allele count higher than expected for a pathogenic variant. This variant has not been reported in the literature in individuals affected with ZFYVE27-related conditions. ClinVar contains an entry for this variant (Variation ID: 943179). An algorithm developed to predict the effect of missense changes on protein structure and function outputs the following: PolyPhen-2: "Benign". The glycine amino acid residue is found in multiple mammalian species, which suggests that this missense change does not adversely affect protein function. In summary, the available evidence is currently insufficient to determine the role of this variant in disease. Therefore, it has been classified as a Variant of Uncertain Significance.

NM_001385875.1(ZFYVE27):c.764A>G (p.Asp255Gly)

Gene: ZFYVE27 (zinc finger FYVE-type containing 27; plus strand). Cytogenetic location: 10q24.2.
Variant type: single nucleotide variant.
Coding change: c.764A>G on transcript NM_001385875.1 (MANE Select); coding-DNA position 764, A replaced by G.
Protein change: p.Asp255Gly; replaces aspartic acid 255 with glycine.
Molecular consequence: missense variant. On other transcripts: non-coding transcript variant (16).
Genome position (GRCh38, 1-based): chr10:97,750,430, A>G. VCF-style: chr10-97750430-A-G. GRCh37 (hg19) VCF-style: chr10-99510187-A-G.
Other names: c.764A>G, p.Asp255Gly (NM_001002261.4, NM_001002262.4, NM_001385871.1 and 8 more transcripts); c.668A>G, p.Asp223Gly (NM_001174119.2, NM_001385885.1, NM_001385886.1 and 3 more transcripts); c.506A>G, p.Asp169Gly (NM_001174120.2, NM_001385901.1, NM_001385902.1 and 3 more transcripts); c.470A>G, p.Asp157Gly (NM_001174121.2, NM_001385915.1); c.410A>G, p.Asp137Gly (NM_001174122.2, NM_001385918.1); c.803A>G, p.Asp268Gly (NM_001385876.1); c.728A>G, p.Asp243Gly (NM_001385881.1); c.560A>G, p.Asp187Gly (NM_001385890.1, NM_001385891.1, NM_001385892.1 and 6 more transcripts); and 3 more; short protein forms D255G, D137G, D157G, D223G, D169G, D144G, D176G, D187G.
Identifiers: ClinVar variation 943179 (VCV000943179.9), dbSNP rs775345962, ClinGen allele CA5635269.
Genomic context (GRCh38, chr10:97,750,430, plus strand): 5'-ACCCAAAGCAGGAAGAGCATGCCTTTGAGAGTCCTCCACCACCAGATGTTGGGGGGAAGG[A>G]TGGTCTGATGGACAGCACGCCTGCCCTCACACCCACGGAGGTAAGTGCCACTGTCAGGGC-3'
Protein context (NP_001372804.1, residues 245-265): SPPPPDVGGK[Asp255Gly]GLMDSTPALT